The following is an entry in ClinVar:

NM_178822.5(IGSF10):c.4056GAA[1] (p.Lys1353del)

Gene: IGSF10 (immunoglobulin superfamily member 10; minus strand). Cytogenetic location: 3q25.1.
Variant type: Microsatellite.
Coding change: c.4056GAA[1] on transcript NM_178822.5 (MANE Select); one copy of the 3-base unit GAA starting at c.4056; the reference has two copies in a row; one copy, 3 bases deleted.
Protein change: p.Lys1353del; deletes lysine 1353.
Molecular consequence: inframe deletion.
Genome position (GRCh38, 1-based): chr3:151,445,920-151,445,922, TTC deleted on the plus strand (GAA on the coding strand, the reverse complement: IGSF10 is on the minus strand); deleting any 3 consecutive bases within chr3:151,445,920-151,445,927 gives the same sequence; the position shown is the placement nearest the transcript's 3' end. VCF-style (leftmost placement, unchanged base first): chr3-151445919-GTTC-G. GRCh37 (hg19) VCF-style: chr3-151163707-GTTC-G.
Other names: c.4056GAA[1], p.Lys1353del (NM_001385060.1, NM_001385061.1, NM_001385062.1 and 1 more transcripts); short protein forms K1353del.
Identifiers: ClinVar variation 4754633 (VCV004754633.1).

ClinVar aggregate classification (germline): Uncertain significance (1 of 4 stars; one submission).

Submission:

Labcorp Genetics (formerly Invitae), Labcorp
Classification: Uncertain significance. Last evaluated: 2026-01-19. Review status: criteria provided, single submitter. Criteria: Invitae Variant Classification Sherloc (09022015). Collection method: clinical testing. Allele origin: germline.
Comment: This variant, c.4059_4061del, results in the deletion of 1 amino acid(s) of the IGSF10 protein (p.Lys1353del), but otherwise preserves the integrity of the reading frame. This variant is present in population databases (rs774862582, gnomAD 0.007%). This variant has not been reported in the literature in individuals affected with IGSF10-related conditions. Experimental studies and prediction algorithms are not available or were not evaluated, and the functional significance of this variant is currently unknown. In summary, the available evidence is currently insufficient to determine the role of this variant in disease. Therefore, it has been classified as a Variant of Uncertain Significance.